The following is an entry in ClinVar:

NM_001352514.2(HLCS):c.1278G>A (p.Glu426=)

Gene: HLCS (holocarboxylase synthetase; minus strand). Cytogenetic location: 21q22.13.
Variant type: single nucleotide variant.
Coding change: c.1278G>A on transcript NM_001352514.2 (MANE Select); coding-DNA position 1278, G replaced by A.
Protein change: p.Glu426=; no amino-acid change (glutamic acid 426 retained).
Molecular consequence: synonymous variant. On other transcripts: non-coding transcript variant (2).
Genome position (GRCh38, 1-based): chr21:36,936,608, C>T on the plus strand (G>A on the coding strand, the complement: HLCS is on the minus strand). VCF-style: chr21-36936608-C-T. GRCh37 (hg19) VCF-style: chr21-38308908-C-T.
Other names: c.837G>A, p.Glu279= (NM_000411.8, NM_001242784.3, NM_001242785.2 and 4 more transcripts).
Identifiers: ClinVar variation 513095 (VCV000513095.16), dbSNP rs548505968, ClinGen allele CA10020604.

ClinVar aggregate classification (germline): Conflicting classifications of pathogenicity. Review status: criteria provided, conflicting classifications (1 of 4 stars). 3 submissions from 3 submitters: Uncertain significance (1); Benign (1); Likely benign (1). Last evaluated 2025-12-16.

Conditions:
Holocarboxylase synthetase deficiency. Also called: MULTIPLE CARBOXYLASE DEFICIENCY, EARLY ONSET. Identifiers: Orphanet 79242, MedGen C0268581, MONDO:0009666, OMIM 253270.

Allele frequency attached by ClinVar (database versions not stated): TOPMed 0.00005; gnomAD 0.00006 and 0.00007; 1000 Genomes Project 30x 0.00078; 1000 Genomes Project 0.00080.
gnomAD v4.1: 85 of 1,614,232 alleles (0.0053%); highest among the groups gnomAD compares: East Asian, 0.16%; 1 homozygote.

Submissions (3):

Labcorp Genetics (formerly Invitae), Labcorp
Classification: Benign for Holocarboxylase synthetase deficiency. Last evaluated: 2025-12-16. Review status: criteria provided, single submitter. Criteria: Invitae Variant Classification Sherloc (09022015). Collection method: clinical testing. Allele origin: germline.

Illumina Laboratory Services, Illumina
Classification: Uncertain significance for Holocarboxylase synthetase deficiency. Last evaluated: 2018-01-13. Review status: criteria provided, single submitter. Criteria: ICSL Variant Classification Criteria 13 December 2019. Collection method: clinical testing. Allele origin: germline.

GeneDx
Classification: Likely benign. Last evaluated: 2017-11-25. Review status: criteria provided, single submitter. Criteria: GeneDx Variant Classification (06012015). Collection method: clinical testing. Allele origin: germline. Affected: yes.
Comment: This variant is considered likely benign or benign based on one or more of the following criteria: it is a conservative change, it occurs at a poorly conserved position in the protein, it is predicted to be benign by multiple in silico algorithms, and/or has population frequency not consistent with disease.